The following is an entry in ClinVar:

NM_033453.4(ITPA):c.381G>T (p.Gln127His)

Genes: ITPA (inosine triphosphatase; plus strand), LOC130065322 (ATAC-STARR-seq lymphoblastoid silent region 12615; plus strand). Cytogenetic location: 20p13.
Variant type: single nucleotide variant.
Coding change: c.381G>T on transcript NM_033453.4 (MANE Select); coding-DNA position 381, G replaced by T.
Protein change: p.Gln127His; replaces glutamine 127 with histidine.
Molecular consequence: missense variant. On other transcripts: non-coding transcript variant (2).
Genome position (GRCh38, 1-based): chr20:3,218,602, G>T. VCF-style: chr20-3218602-G-T. GRCh37 (hg19) VCF-style: chr20-3199248-G-T.
Other names: c.258G>T, p.Gln86His (NM_001267623.2); c.44G>T, p.Ser15Ile (NM_001324236.2, NM_001324237.2, NM_001324238.2 and 1 more transcripts); c.381G>T, p.Gln127His (NM_001324240.2, NM_001424408.1); c.507G>T, p.Gln169His (NM_001424409.1); c.330G>T, p.Gln110His (NM_181493.4); short protein forms S15I, Q127H, Q169H, Q110H, Q86H.
Identifiers: ClinVar variation 2907012 (VCV002907012.3), dbSNP rs556565777, ClinGen allele CA310971785.

ClinVar aggregate classification (germline): Uncertain significance (1 of 4 stars; one submission).

Conditions:
Inosine triphosphatase deficiency. Also called: INOSINE TRIPHOSPHATE PYROPHOSPHOHYDROLASE DEFICIENCY. Identifiers: MedGen C0342800, MONDO:0013461, OMIM 613850.

Allele frequency attached by ClinVar (database versions not stated): gnomAD 0.00001; 1000 Genomes Project 30x 0.00031; 1000 Genomes Project 0.00040.
gnomAD v4.1: 2 of 1,613,772 alleles (0.00012%); highest among the groups gnomAD compares: East Asian, 0.0045%; no homozygotes.

Submission:

Labcorp Genetics (formerly Invitae), Labcorp
Classification: Uncertain significance for Inosine triphosphatase deficiency. Last evaluated: 2023-08-17. Review status: criteria provided, single submitter. Criteria: Invitae Variant Classification Sherloc (09022015). Collection method: clinical testing. Allele origin: germline.
Comment: This variant is not present in population databases (gnomAD no frequency). This sequence change replaces glutamine, which is neutral and polar, with histidine, which is basic and polar, at codon 127 of the ITPA protein (p.Gln127His). In summary, the available evidence is currently insufficient to determine the role of this variant in disease. Therefore, it has been classified as a Variant of Uncertain Significance. An algorithm developed to predict the effect of missense changes on protein structure and function (PolyPhen-2) suggests that this variant is likely to be tolerated. This variant has not been reported in the literature in individuals affected with ITPA-related conditions.